The following is an entry in ClinVar:

NM_012144.4(DNAI1):c.2000_2001insTT (p.Lys667fs)

Gene: DNAI1 (dynein axonemal intermediate chain 1; plus strand). Cytogenetic location: 9p13.3.
Variant type: Insertion.
Coding change: c.2000_2001insTT on transcript NM_012144.4 (MANE Select); coding-DNA positions 2000 to 2001, TT inserted.
Protein change: p.Lys667fs; shifts the reading frame from lysine 667.
Molecular consequence: frameshift variant.
Genome position: GRCh38 VCF-style: chr9-34517466-A-ATT. GRCh37 (hg19) VCF-style: chr9-34517464-A-ATT.
Other names: c.2012_2013insTT, p.Lys671fs (NM_001281428.2); short protein forms K671fs, K667fs.
Identifiers: ClinVar variation 2060986 (VCV002060986.4), dbSNP rs2492136755, ClinGen allele CA2580080362.

ClinVar aggregate classification (germline): Likely pathogenic (1 of 4 stars; one submission).

Conditions:
Primary ciliary dyskinesia. Also called: Ciliary dyskinesia. Identifiers: Orphanet 244, MedGen C0008780, MONDO:0016575, HP:0012265.

Submission:

Labcorp Genetics (formerly Invitae), Labcorp
Classification: Likely pathogenic for Primary ciliary dyskinesia. Last evaluated: 2021-12-25. Review status: criteria provided, single submitter. Criteria: Invitae Variant Classification Sherloc (09022015). Collection method: clinical testing. Allele origin: germline.
Comment: In summary, the currently available evidence indicates that the variant is pathogenic, but additional data are needed to prove that conclusively. Therefore, this variant has been classified as Likely Pathogenic. This sequence change creates a premature translational stop signal (p.Lys667Asnfs*24) in the DNAI1 gene. While this is not anticipated to result in nonsense mediated decay, it is expected to disrupt the last 33 amino acid(s) of the DNAI1 protein. This variant is not present in population databases (gnomAD no frequency). This premature translational stop signal has been observed in individual(s) with primary ciliary dyskinesia (Invitae). Algorithms developed to predict the effect of sequence changes on RNA splicing suggest that this variant may disrupt the consensus splice site.